The following is an entry in ClinVar:

NM_003128.3(SPTBN1):c.1769C>A (p.Ser590Tyr)

Gene: SPTBN1 (spectrin beta, non-erythrocytic 1; plus strand). Cytogenetic location: 2p16.2.
Variant type: single nucleotide variant.
Coding change: c.1769C>A on transcript NM_003128.3 (MANE Select); coding-DNA position 1769, C replaced by A.
Protein change: p.Ser590Tyr; replaces serine 590 with tyrosine.
Molecular consequence: missense variant.
Genome position (GRCh38, 1-based): chr2:54,628,221, C>A. VCF-style: chr2-54628221-C-A. GRCh37 (hg19) VCF-style: chr2-54855358-C-A.
Other names: c.1730C>A, p.Ser577Tyr (NM_178313.3); short protein forms S577Y, S590Y.
Identifiers: ClinVar variation 3383561 (VCV003383561.1).

ClinVar aggregate classification (germline): Uncertain significance (1 of 4 stars; one submission).

Submission:

GeneDx
Classification: Uncertain significance. Last evaluated: 2024-05-30. Review status: criteria provided, single submitter. Criteria: GeneDx Variant Classification Process June 2021. Collection method: clinical testing. Allele origin: germline. Affected: yes.
Comment: Not observed at significant frequency in large population cohorts (gnomAD); In silico analysis supports that this missense variant has a deleterious effect on protein structure/function; Has not been previously published as pathogenic or benign to our knowledge